The following is an entry in ClinVar:

NM_001204.7(BMPR2):c.3083T>C (p.Met1028Thr)

Gene: BMPR2 (bone morphogenetic protein receptor type 2; plus strand). Cytogenetic location: 2q33.2.
Variant type: single nucleotide variant.
Coding change: c.3083T>C on transcript NM_001204.7 (MANE Select); coding-DNA position 3083, T replaced by C.
Protein change: p.Met1028Thr; replaces methionine 1028 with threonine.
Molecular consequence: missense variant.
Genome position (GRCh38, 1-based): chr2:202,559,912, T>C. VCF-style: chr2-202559912-T-C. GRCh37 (hg19) VCF-style: chr2-203424635-T-C.
Other names: short protein forms M1028T.
Identifiers: ClinVar variation 3824793 (VCV003824793.1).

ClinVar aggregate classification (germline): Uncertain significance (1 of 4 stars; one submission).

Conditions:
Inborn genetic diseases. Identifiers: MedGen C0950123, MeSH D030342.

Submission:

Ambry Genetics
Classification: Uncertain significance for Inborn genetic diseases. Last evaluated: 2024-12-29. Review status: criteria provided, single submitter. Criteria: Ambry Variant Classification Scheme 2023. Collection method: clinical testing. Allele origin: germline.
Comment: The p.M1028T variant (also known as c.3083T>C), located in coding exon 13 of the BMPR2 gene, results from a T to C substitution at nucleotide position 3083. The methionine at codon 1028 is replaced by threonine, an amino acid with similar properties. This amino acid position is conserved. In addition, this alteration is predicted to be tolerated by in silico analysis. Based on the available evidence, the clinical significance of this variant remains unclear.